The following is an entry in ClinVar:

NM_001042492.3(NF1):c.8136G>A (p.Trp2712Ter)

Gene: NF1 (neurofibromin 1; plus strand). Cytogenetic location: 17q11.2.
Variant type: single nucleotide variant.
Coding change: c.8136G>A on transcript NM_001042492.3 (MANE Select); coding-DNA position 8136, G replaced by A.
Protein change: p.Trp2712Ter; replaces tryptophan 2712 with a stop codon.
Molecular consequence: nonsense.
Genome position (GRCh38, 1-based): chr17:31,358,991, G>A. VCF-style: chr17-31358991-G-A. GRCh37 (hg19) VCF-style: chr17-29686009-G-A.
Other names: p.Trp2691*; c.8073G>A, p.Trp2691Ter (NM_000267.4); short protein forms W2691*, W2712*.
Identifiers: ClinVar variation 2677225 (VCV002677225.5), dbSNP rs2070339649, ClinGen allele CA399204175.
Genomic context (GRCh38, chr17:31,358,991, plus strand): 5'-CCTTGCTTGTTATAAGAGTAAAATTTGATTTGTTGCAGGTTTTGGTTTTAATGGCTTGTG[G>A]CGGTTTGCAGGACCGTTTTCAAAGGTAAGAAAATATATTTTTCTCTAACTTTTGGCAAAA-3'

ClinVar aggregate classification (germline): Pathogenic/Likely pathogenic. Review status: criteria provided, multiple submitters, no conflicts (2 of 4 stars). 3 submissions from 3 submitters: Pathogenic (2); Likely pathogenic (1). Last evaluated 2025-10-04.

Conditions:
Juvenile myelomonocytic leukemia (JMML). Also called: LEUKEMIA, JUVENILE MYELOMONOCYTIC, SOMATIC. Identifiers: Orphanet 86834, MedGen C0349639, MONDO:0011908, OMIM 607785, HP:0012209.
Neurofibromatosis, type 1 (NF1). Also called: NEUROFIBROMATOSIS, TYPE I, SOMATIC; Peripheral type neurofibromatosis; VON RECKLINGHAUSEN DISEASE; Neurofibromatosis, type I. Identifiers: Orphanet 636, MedGen C0027831, MONDO:0018975, OMIM 162200. Disease mechanism: loss of function.

Allele frequency attached by ClinVar (database versions not stated): gnomAD 0.00001.
gnomAD v4.1: 1 of 1,613,672 alleles (0.000062%); highest among the groups gnomAD compares: African/African-American, 0.0013%; no homozygotes.

Submissions (3):

Mayo Clinic Laboratories, Mayo Clinic
Classification: Pathogenic. Last evaluated: 2025-10-04. Review status: criteria provided, single submitter. Criteria: ACMG Guidelines, 2015. Collection method: clinical testing. Allele origin: germline. Observed: 1 variant allele.
Comment: PP4, PM2_supporting, PVS1

Labcorp Genetics (formerly Invitae), Labcorp
Classification: Pathogenic for Neurofibromatosis, type 1. Last evaluated: 2023-11-13. Review status: criteria provided, single submitter. Criteria: Invitae Variant Classification Sherloc (09022015). Collection method: clinical testing. Allele origin: germline.
Comment: This sequence change creates a premature translational stop signal (p.Trp2691*) in the NF1 gene. It is expected to result in an absent or disrupted protein product. Loss-of-function variants in NF1 are known to be pathogenic (PMID: 10712197, 23913538). This variant is not present in population databases (gnomAD no frequency). This premature translational stop signal has been observed in individual(s) with NF1-related conditions (PMID: 24789688). For these reasons, this variant has been classified as Pathogenic.

Baylor Genetics
Classification: Likely pathogenic for Juvenile myelomonocytic leukemia. Last evaluated: 2023-01-24. Review status: criteria provided, single submitter. Criteria: ACMG Guidelines, 2015. Collection method: clinical testing. Allele origin: unknown.

Literature cited by the submitters: PubMed 24789688 (cited by Mayo Clinic Laboratories, Mayo Clinic and Labcorp Genetics (formerly Invitae), Labcorp); PubMed 10712197 (cited by Labcorp Genetics (formerly Invitae), Labcorp); PubMed 23913538 (cited by Labcorp Genetics (formerly Invitae), Labcorp).